The following is an entry in ClinVar:

NM_001035.3(RYR2):c.3064del (p.Gln1022fs)

Gene: RYR2 (ryanodine receptor 2; plus strand). Cytogenetic location: 1q43.
Variant type: Deletion.
Coding change: c.3064del on transcript NM_001035.3 (MANE Select); coding-DNA position 3064, one base deleted (C; older notation c.3064delC).
Protein change: p.Gln1022fs; shifts the reading frame from glutamine 1022.
Molecular consequence: frameshift variant.
Genome position (GRCh38, 1-based): chr1:237,548,588, C deleted. VCF-style (leftmost placement, unchanged base first): chr1-237548587-AC-A. GRCh37 (hg19) VCF-style: chr1-237711887-AC-A.
Other names: short protein forms Q1022fs.
Identifiers: ClinVar variation 1799410 (VCV001799410.2), dbSNP rs2546278595, ClinGen allele CA2580062465.

ClinVar aggregate classification (germline): Uncertain significance (1 of 4 stars; one submission).

Conditions:
Cardiovascular phenotype. Identifiers: MedGen CN230736.

Submission:

Ambry Genetics
Classification: Uncertain significance for Cardiovascular phenotype. Last evaluated: 2020-06-23. Review status: criteria provided, single submitter. Criteria: Ambry Variant Classification Scheme 2023. Collection method: clinical testing. Allele origin: germline.
Comment: The c.3064delC variant, located in coding exon 26 of the RYR2 gene, results from a deletion of one nucleotide at nucleotide position 3064, causing a translational frameshift with a predicted alternate stop codon (p.Q1022Rfs*3). This alteration is expected to result in premature protein truncation or nonsense-mediated mRNA decay. However, loss of function of RYR2 has not been clearly established as a mechanism of disease. Since supporting evidence is limited at this time, the clinical significance of this alteration remains unclear.